The following is an entry in ClinVar:

NM_005458.8(GABBR2):c.2129C>A (p.Ser710Tyr)

Gene: GABBR2 (gamma-aminobutyric acid type B receptor subunit 2; minus strand). Cytogenetic location: 9q22.33.
Variant type: single nucleotide variant.
Coding change: c.2129C>A on transcript NM_005458.8 (MANE Select); coding-DNA position 2129, C replaced by A.
Protein change: p.Ser710Tyr; replaces serine 710 with tyrosine.
Molecular consequence: missense variant.
Genome position (GRCh38, 1-based): chr9:98,306,221, G>T on the plus strand (C>A on the coding strand, the complement: GABBR2 is on the minus strand). VCF-style: chr9-98306221-G-T. GRCh37 (hg19) VCF-style: chr9-101068503-G-T.
Other names: short protein forms S710Y.
Identifiers: ClinVar variation 5009926 (VCV005009926.1).

ClinVar aggregate classification (germline): Uncertain significance (1 of 4 stars; one submission).

Submission:

GeneDx
Classification: Uncertain significance. Last evaluated: 2026-02-20. Review status: criteria provided, single submitter. Criteria: GeneDx Variant Classification Process June 2021. Collection method: clinical testing. Allele origin: germline.
Comment: Not observed at significant frequency in large population cohorts (gnomAD); In silico analysis supports that this missense variant has a deleterious effect on protein structure/function; Has not been previously published as pathogenic or benign to our knowledge